The following is an entry in ClinVar:

ClinVar aggregate classification (germline): Uncertain significance (1 of 4 stars; one submission).

Allele frequency attached by ClinVar (database versions not stated): gnomAD exomes below 0.00001; ExAC 0.00001.
gnomAD v4.1: 3 of 1,614,216 alleles (0.00019%); highest among the groups gnomAD compares: Non-Finnish European, 0.00025%; no homozygotes.

Submission:

Labcorp Genetics (formerly Invitae), Labcorp
Classification: Uncertain significance. Last evaluated: 2024-01-08. Review status: criteria provided, single submitter. Criteria: Invitae Variant Classification Sherloc (09022015). Collection method: clinical testing. Allele origin: germline.
Comment: This sequence change replaces glutamic acid, which is acidic and polar, with alanine, which is neutral and non-polar, at codon 924 of the DSG1 protein (p.Glu924Ala). This variant is present in population databases (rs778211525, gnomAD 0.0009%). This variant has not been reported in the literature in individuals affected with DSG1-related conditions. An algorithm developed to predict the effect of missense changes on protein structure and function (PolyPhen-2) suggests that this variant is likely to be disruptive. In summary, the available evidence is currently insufficient to determine the role of this variant in disease. Therefore, it has been classified as a Variant of Uncertain Significance.

NM_001942.4(DSG1):c.2771A>C (p.Glu924Ala)

Genes: DSG1 (desmoglein 1; plus strand), DSG1-AS1 (DSG1 antisense RNA 1; minus strand). Cytogenetic location: 18q12.1.
Variant type: single nucleotide variant.
Coding change: c.2771A>C on transcript NM_001942.4 (MANE Select); coding-DNA position 2771, A replaced by C.
Protein change: p.Glu924Ala; replaces glutamic acid 924 with alanine.
Molecular consequence: missense variant.
Genome position (GRCh38, 1-based): chr18:31,354,967, A>C. VCF-style: chr18-31354967-A-C. GRCh37 (hg19) VCF-style: chr18-28934930-A-C.
Other names: short protein forms E924A.
Identifiers: ClinVar variation 2786164 (VCV002786164.3), dbSNP rs778211525, ClinGen allele CA8926441.
Genomic context (GRCh38, chr18:31,354,967, plus strand): 5'-GTCTACCCACCTCTCTGACTATCCATCATCCTAGAGAGTCTTCAAATGTGGTAGTGACAG[A>C]AAGAGTAATCCAACCAACTTCCGGCATGATAGGTAGTCTGAGTATGCACCCCGAGTTAGC-3'
Protein context (NP_001933.2, residues 914-934): PRESSNVVVT[Glu924Ala]RVIQPTSGMI